The following is an entry in ClinVar:

NM_015335.5(MED13L):c.805G>A (p.Val269Ile)

Gene: MED13L (mediator complex subunit 13L; minus strand). Cytogenetic location: 12q24.21.
Variant type: single nucleotide variant.
Coding change: c.805G>A on transcript NM_015335.5 (MANE Select); coding-DNA position 805, G replaced by A.
Protein change: p.Val269Ile; replaces valine 269 with isoleucine.
Molecular consequence: missense variant.
Genome position (GRCh38, 1-based): chr12:116,019,793, C>T on the plus strand (G>A on the coding strand, the complement: MED13L is on the minus strand). VCF-style: chr12-116019793-C-T. GRCh37 (hg19) VCF-style: chr12-116457598-C-T.
Other names: short protein forms V269I.
Identifiers: ClinVar variation 936554 (VCV000936554.2), dbSNP rs1879944991, ClinGen allele CA386870841.

ClinVar aggregate classification (germline): Uncertain significance. Review status: criteria provided, multiple submitters, no conflicts (2 of 4 stars). 2 submissions from 2 submitters: Uncertain significance (2). Last evaluated 2022-10-21.

Conditions:
Dextro-looped transposition of the great arteries. Also called: Dextrotransposition of the great arteries. Identifiers: Orphanet 860, MedGen C3531771, MONDO:0019443, OMIM 608808, HP:0031348.

Allele frequency attached by ClinVar (database versions not stated): gnomAD 0.00001.
gnomAD v4.1: 1 of 1,613,838 alleles (0.000062%); highest among the groups gnomAD compares: African/African-American, 0.0013%; no homozygotes.

Submissions (2):

GeneDx
Classification: Uncertain significance. Last evaluated: 2022-10-21. Review status: criteria provided, single submitter. Criteria: GeneDx Variant Classification Process June 2021. Collection method: clinical testing. Allele origin: germline. Affected: yes.
Comment: Not observed at significant frequency in large population cohorts (gnomAD); In silico analysis supports that this missense variant does not alter protein structure/function; Has not been previously published as pathogenic or benign to our knowledge

Labcorp Genetics (formerly Invitae), Labcorp
Classification: Uncertain significance for Transposition of the great arteries, dextro-looped 1. Last evaluated: 2019-10-01. Review status: criteria provided, single submitter. Criteria: Invitae Variant Classification Sherloc (09022015). Collection method: clinical testing. Allele origin: germline.
Comment: This sequence change replaces valine with isoleucine at codon 269 of the MED13L protein (p.Val269Ile). The valine residue is highly conserved and there is a small physicochemical difference between valine and isoleucine. This variant is not present in population databases (ExAC no frequency). This variant has not been reported in the literature in individuals with MED13L-related conditions. Algorithms developed to predict the effect of missense changes on protein structure and function are either unavailable or do not agree on the potential impact of this missense change (SIFT: "Tolerated"; PolyPhen-2: "Not Available"; Align-GVGD: "Class C0"). In summary, the available evidence is currently insufficient to determine the role of this variant in disease. Therefore, it has been classified as a Variant of Uncertain Significance.